The following is an entry in ClinVar:

NM_001103146.3(GIGYF2):c.3650C>T (p.Pro1217Leu)

Gene: GIGYF2 (GRB10 interacting GYF protein 2; plus strand). Cytogenetic location: 2q37.1.
Variant type: single nucleotide variant.
Coding change: c.3650C>T on transcript NM_001103146.3 (MANE Select); coding-DNA position 3650, C replaced by T.
Protein change: p.Pro1217Leu; replaces proline 1217 with leucine.
Molecular consequence: missense variant. On other transcripts: non-coding transcript variant (1).
Genome position (GRCh38, 1-based): chr2:232,847,537, C>T. VCF-style: chr2-232847537-C-T. GRCh37 (hg19) VCF-style: chr2-233712247-C-T.
Other names: p.Pro1217Leu; c.3713C>T, p.Pro1238Leu (NM_001103147.2); c.3632C>T, p.Pro1211Leu (NM_001103148.2); c.3650C>T, p.Pro1217Leu (NM_015575.4); short protein forms P1211L, P1217L, P1238L.
Identifiers: ClinVar variation 4684664 (VCV004684664.1).

ClinVar aggregate classification (germline): Likely benign (1 of 4 stars; one submission).

gnomAD v4.1: 177 of 1,600,556 alleles (0.011%); highest among the groups gnomAD compares: East Asian, 0.054%; no homozygotes.

Submission:

Mayo Clinic Laboratories, Mayo Clinic
Classification: Likely benign. Last evaluated: 2025-10-17. Review status: criteria provided, single submitter. Criteria: ACMG Guidelines, 2015. Collection method: clinical testing. Allele origin: germline. Observed: 1 variant allele.
Comment: BS2, BP4_moderate